The following is an entry in ClinVar:

NM_001378189.1(CFAP57):c.1750T>G (p.Ser584Ala)

Genes: CFAP57 (cilia and flagella associated protein 57; plus strand), EBNA1BP2 (EBNA1 binding protein 2; minus strand), LOC105378685 (uncharacterized LOC105378685; minus strand), LOC126805719 (P300/CBP strongly-dependent group 1 enhancer GRCh37_chr1:43671864-43673063; plus strand). Cytogenetic location: 1p34.2.
Variant type: single nucleotide variant.
Coding change: c.1750T>G on transcript NM_001378189.1 (MANE Select); coding-DNA position 1750, T replaced by G.
Protein change: p.Ser584Ala; replaces serine 584 with alanine.
Molecular consequence: missense variant.
Genome position (GRCh38, 1-based): chr1:43,206,927, T>G. VCF-style: chr1-43206927-T-G. GRCh37 (hg19) VCF-style: chr1-43672598-T-G.
Other names: c.1750T>G, p.Ser584Ala (NM_001167965.1, NM_001195831.3, NM_152498.3); short protein forms S584A.
Identifiers: ClinVar variation 2634935 (VCV002634935.1), dbSNP rs2545288167, ClinGen allele CA339968751.

ClinVar aggregate classification (germline): Uncertain significance (1 of 4 stars; one submission).

Conditions:
CFAP57-related disorder. Also called: CFAP57-related condition.

Submission:

PreventionGenetics, part of Exact Sciences
Classification: Uncertain significance for CFAP57-related condition. Last evaluated: 2023-04-20. Review status: criteria provided, single submitter. Criteria: ACMG Guidelines, 2015. Collection method: clinical testing. Allele origin: germline.
Comment: The CFAP57 c.1750T>G variant is predicted to result in the amino acid substitution p.Ser584Ala. To our knowledge, this variant has not been reported in the literature or in a large population database, indicating this variant is rare. At this time, the clinical significance of this variant is uncertain due to the absence of conclusive functional and genetic evidence.